The following is an entry in ClinVar:

ClinVar aggregate classification (germline): Likely benign. Review status: criteria provided, multiple submitters, no conflicts (2 of 4 stars). 2 submissions from 2 submitters: Likely benign (2). Last evaluated 2025-06-17.

Conditions:
Developmental and epileptic encephalopathy, 53. Also called: Epileptic encephalopathy, early infantile, 53. Identifiers: MedGen C4479313, MONDO:0033362, OMIM 617389.
Early-onset Parkinson disease 20. Also called: PARKINSON DISEASE 20, AUTOSOMAL RECESSIVE EARLY-ONSET. Identifiers: Orphanet 391411, MedGen C3809824, MONDO:0014233, OMIM 615530.

Submissions (2):

Labcorp Genetics (formerly Invitae), Labcorp
Classification: Likely benign for Developmental and epileptic encephalopathy, 53; Early-onset Parkinson disease 20. Last evaluated: 2025-06-17. Review status: criteria provided, single submitter. Criteria: Invitae Variant Classification Sherloc (09022015). Collection method: clinical testing. Allele origin: germline.

CeGaT Center for Human Genetics Tuebingen
Classification: Likely benign. Last evaluated: 2022-11-01. Review status: criteria provided, single submitter. Criteria: CeGaT Center For Human Genetics Tuebingen Variant Classification Criteria Version 2. Collection method: clinical testing. Allele origin: germline. Affected: yes. Observed: 1 variant allele.
Comment: SYNJ1: PM2:Supporting, BP4, BP7

NM_203446.3(SYNJ1):c.*487C>T

Gene: SYNJ1 (synaptojanin 1; minus strand). Cytogenetic location: 21q22.11.
Variant type: single nucleotide variant.
Coding change: c.*487C>T on transcript NM_203446.3 (MANE Select); 487 bases downstream of the stop codon, C replaced by T.
Molecular consequence: 3 prime UTR variant. On other transcripts: synonymous variant (2).
Genome position (GRCh38, 1-based): chr21:32,631,318, G>A on the plus strand (C>T on the coding strand, the complement: SYNJ1 is on the minus strand). VCF-style: chr21-32631318-G-A. GRCh37 (hg19) VCF-style: chr21-34003628-G-A.
Other names: c.*487C>T (NM_001160302.2); c.4258C>T, p.Leu1420= (NM_001160306.2); c.4516C>T, p.Leu1506= (NM_003895.4).
Identifiers: ClinVar variation 2652601 (VCV002652601.25), dbSNP rs1485160636, ClinGen allele CA512331969.